The following is an entry in ClinVar:

ClinVar aggregate classification (germline): Uncertain significance. Review status: criteria provided, multiple submitters, no conflicts (2 of 4 stars). 2 submissions from 2 submitters: Uncertain significance (2). Last evaluated 2024-10-25.

Allele frequency attached by ClinVar (database versions not stated): gnomAD exomes below 0.00001; ExAC 0.00001; gnomAD 0.00001; TOPMed 0.00001.
gnomAD v4.1: 23 of 1,613,890 alleles (0.0014%); highest among the groups gnomAD compares: Non-Finnish European, 0.0019%; no homozygotes.

Submissions (2):

Labcorp Genetics (formerly Invitae), Labcorp
Classification: Uncertain significance. Last evaluated: 2024-10-25. Review status: criteria provided, single submitter. Criteria: Invitae Variant Classification Sherloc (09022015). Collection method: clinical testing. Allele origin: germline.
Comment: This sequence change replaces isoleucine, which is neutral and non-polar, with valine, which is neutral and non-polar, at codon 211 of the POLG2 protein (p.Ile211Val). This variant is present in population databases (rs782686494, gnomAD 0.002%). This variant has not been reported in the literature in individuals affected with POLG2-related conditions. ClinVar contains an entry for this variant (Variation ID: 449123). An algorithm developed to predict the effect of missense changes on protein structure and function outputs the following: PolyPhen-2: "Benign". The valine amino acid residue is found in multiple mammalian species, which suggests that this missense change does not adversely affect protein function. Algorithms developed to predict the effect of sequence changes on RNA splicing suggest that this variant may create or strengthen a splice site. In summary, the available evidence is currently insufficient to determine the role of this variant in disease. Therefore, it has been classified as a Variant of Uncertain Significance.

GeneDx
Classification: Uncertain significance. Last evaluated: 2017-07-20. Review status: criteria provided, single submitter. Criteria: GeneDx Variant Classification (06012015). Collection method: clinical testing. Allele origin: germline. Affected: yes.
Comment: The I211V variant in the POLG2 gene has not been reported previously as a pathogenic variant, nor as a benign variant, to our knowledge. The I211V variant is observed in 1/66724 (0.0015%) alleles from individuals of non-Finnish European background in the ExAC dataset (Lek et al., 2016). The I211V variant is a conservative amino acid substitution, which is not likely to impact secondary protein structure as these residues share similar properties. This substitution occurs at a position that is conserved in mammals. In silico analysis is inconsistent in its predictions as to whether or not the variant is damaging to the protein structure/function. We interpret I211V as a variant of uncertain significance.

NM_007215.4(POLG2):c.631A>G (p.Ile211Val)

Genes: MILR1 (mast cell immunoglobulin like receptor 1; plus strand), POLG2 (DNA polymerase gamma 2, accessory subunit; minus strand). Cytogenetic location: 17q23.3.
Variant type: single nucleotide variant.
Coding change: c.631A>G on transcript NM_007215.4 (MANE Select); coding-DNA position 631, A replaced by G.
Protein change: p.Ile211Val; replaces isoleucine 211 with valine.
Molecular consequence: missense variant.
Genome position (GRCh38, 1-based): chr17:64,492,953, T>C on the plus strand (A>G on the coding strand, the complement: POLG2 is on the minus strand). VCF-style: chr17-64492953-T-C. GRCh37 (hg19) VCF-style: chr17-62489070-T-C.
Other names: short protein forms I211V.
Identifiers: ClinVar variation 449123 (VCV000449123.8), dbSNP rs782686494, ClinGen allele CA8712963.